The following is an entry in ClinVar:

NM_017802.4(DNAAF5):c.2546A>C (p.Gln849Pro)

Gene: DNAAF5 (dynein axonemal assembly factor 5; plus strand). Cytogenetic location: 7p22.3.
Variant type: single nucleotide variant.
Coding change: c.2546A>C on transcript NM_017802.4 (MANE Select); coding-DNA position 2546, A replaced by C.
Protein change: p.Gln849Pro; replaces glutamine 849 with proline.
Molecular consequence: missense variant. On other transcripts: non-coding transcript variant (1).
Genome position (GRCh38, 1-based): chr7:785,631, A>C. VCF-style: chr7-785631-A-C. GRCh37 (hg19) VCF-style: chr7-825268-A-C.
Other names: short protein forms Q849P.
Identifiers: ClinVar variation 1375210 (VCV001375210.8), dbSNP rs768265611, ClinGen allele CA4111241.

ClinVar aggregate classification (germline): Uncertain significance (1 of 4 stars; one submission).

Conditions:
Primary ciliary dyskinesia. Also called: Ciliary dyskinesia. Identifiers: Orphanet 244, MedGen C0008780, MONDO:0016575, HP:0012265.

Allele frequency attached by ClinVar (database versions not stated): TOPMed below 0.00001; gnomAD exomes 0.00001; ExAC 0.00002.
gnomAD v4.1: 2 of 1,613,002 alleles (0.00012%); highest among the groups gnomAD compares: Non-Finnish European, 0.00017%; no homozygotes.

Submission:

Labcorp Genetics (formerly Invitae), Labcorp
Classification: Uncertain significance for Primary ciliary dyskinesia. Last evaluated: 2021-04-13. Review status: criteria provided, single submitter. Criteria: Invitae Variant Classification Sherloc (09022015). Collection method: clinical testing. Allele origin: germline.
Comment: This variant is present in population databases (rs768265611, ExAC 0.003%). This sequence change replaces glutamine with proline at codon 849 of the DNAAF5 protein (p.Gln849Pro). The glutamine residue is moderately conserved and there is a moderate physicochemical difference between glutamine and proline. This variant has not been reported in the literature in individuals with DNAAF5-related conditions. Algorithms developed to predict the effect of missense changes on protein structure and function are either unavailable or do not agree on the potential impact of this missense change (SIFT: "Tolerated"; PolyPhen-2: "Possibly Damaging"; Align-GVGD: "Class C0"). In summary, the available evidence is currently insufficient to determine the role of this variant in disease. Therefore, it has been classified as a Variant of Uncertain Significance.